The following is an entry in ClinVar:

NM_003803.4(MYOM1):c.4361_4362del (p.Glu1454fs)

Gene: MYOM1 (myomesin 1; minus strand). Cytogenetic location: 18p11.31.
Variant type: Deletion.
Coding change: c.4361_4362del on transcript NM_003803.4 (MANE Select); coding-DNA positions 4361 to 4362, 2 bases deleted (AA; older notation c.4361_4362delAA).
Protein change: p.Glu1454fs; shifts the reading frame from glutamic acid 1454.
Molecular consequence: frameshift variant.
Genome position (GRCh38, 1-based): chr18:3,084,005-3,084,006, TT deleted on the plus strand (AA on the coding strand, the reverse complement: MYOM1 is on the minus strand). VCF-style (leftmost placement, unchanged base first): chr18-3084004-CTT-C. GRCh37 (hg19) VCF-style: chr18-3084002-CTT-C.
Other names: c.4073_4074del, p.Glu1358fs (NM_019856.2); short protein forms E1454fs, E1358fs.
Identifiers: ClinVar variation 2990685 (VCV002990685.3), dbSNP rs970963589, ClinGen allele CA295542598.

ClinVar aggregate classification (germline): Uncertain significance (1 of 4 stars; one submission).

Conditions:
Hypertrophic cardiomyopathy. Also called: HYPERTROPHIC MYOCARDIOPATHY. Identifiers: Orphanet 217569, MedGen C0007194, MeSH D002312, MONDO:0005045, HP:0001639.

Allele frequency attached by ClinVar (database versions not stated): TOPMed 0.00001.

Submission:

Labcorp Genetics (formerly Invitae), Labcorp
Classification: Uncertain significance for Hypertrophic cardiomyopathy. Last evaluated: 2023-10-12. Review status: criteria provided, single submitter. Criteria: Invitae Variant Classification Sherloc (09022015). Collection method: clinical testing. Allele origin: germline.
Comment: This sequence change creates a premature translational stop signal (p.Glu1454Glyfs*37) in the MYOM1 gene. It is expected to result in an absent or disrupted protein product. However, the current clinical and genetic evidence is not sufficient to establish whether loss-of-function variants in MYOM1 cause disease. This variant is present in population databases (no rsID available, gnomAD 0.008%). This variant has not been reported in the literature in individuals affected with MYOM1-related conditions. In summary, the available evidence is currently insufficient to determine the role of this variant in disease. Therefore, it has been classified as a Variant of Uncertain Significance.